The following is an entry in ClinVar:

NM_181882.3(PRX):c.1428G>A (p.Met476Ile)

Gene: PRX (periaxin; minus strand). Cytogenetic location: 19q13.2.
Variant type: single nucleotide variant.
Coding change: c.1428G>A on transcript NM_181882.3 (MANE Select); coding-DNA position 1428, G replaced by A.
Protein change: p.Met476Ile; replaces methionine 476 with isoleucine.
Molecular consequence: missense variant. On other transcripts: 3 prime UTR variant (1).
Genome position (GRCh38, 1-based): chr19:40,396,924, C>T on the plus strand (G>A on the coding strand, the complement: PRX is on the minus strand). VCF-style: chr19-40396924-C-T. GRCh37 (hg19) VCF-style: chr19-40902831-C-T.
Other names: c.1713G>A, p.Met571Ile (NM_001411127.1); c.*1633G>A (NM_020956.2); short protein forms M476I, M571I.
Identifiers: ClinVar variation 3666013 (VCV003666013.2).

ClinVar aggregate classification (germline): Uncertain significance (1 of 4 stars; one submission).

Conditions:
Charcot-Marie-Tooth disease type 4. Also called: Charcot-Marie-Tooth disease, type IV; Charcot-Marie-Tooth, Type 4. Identifiers: Orphanet 64749, MedGen C4082197, MONDO:0018995.

Submission:

Labcorp Genetics (formerly Invitae), Labcorp
Classification: Uncertain significance for Charcot-Marie-Tooth disease type 4. Last evaluated: 2024-07-24. Review status: criteria provided, single submitter. Criteria: Invitae Variant Classification Sherloc (09022015). Collection method: clinical testing. Allele origin: germline.
Comment: This sequence change replaces methionine, which is neutral and non-polar, with isoleucine, which is neutral and non-polar, at codon 476 of the PRX protein (p.Met476Ile). This variant is not present in population databases (gnomAD no frequency). This variant has not been reported in the literature in individuals affected with PRX-related conditions. An algorithm developed to predict the effect of missense changes on protein structure and function outputs the following: PolyPhen-2: "Benign". The isoleucine amino acid residue is found in multiple mammalian species, which suggests that this missense change does not adversely affect protein function. In summary, the available evidence is currently insufficient to determine the role of this variant in disease. Therefore, it has been classified as a Variant of Uncertain Significance.